The following is an entry in ClinVar:

NM_147127.5(EVC2):c.1006-1G>A

Gene: EVC2 (EvC ciliary complex subunit 2; minus strand). Cytogenetic location: 4p16.2.
Variant type: single nucleotide variant.
Coding change: c.1006-1G>A on transcript NM_147127.5 (MANE Select); the canonical splice acceptor site of the intron before coding-DNA position 1006, G replaced by A.
Molecular consequence: splice acceptor variant.
Genome position (GRCh38, 1-based): chr4:5,663,247, C>T on the plus strand (G>A on the coding strand, the complement: EVC2 is on the minus strand). VCF-style: chr4-5663247-C-T. GRCh37 (hg19) VCF-style: chr4-5664974-C-T.
Other names: c.766-1G>A (NM_001166136.2).
Identifiers: ClinVar variation 5004794 (VCV005004794.1).

ClinVar aggregate classification (germline): Likely pathogenic (1 of 4 stars; one submission).

Conditions:
Ellis-van Creveld syndrome (EVC). Also called: Chondroectodermal dysplasia; MESOECTODERMAL DYSPLASIA. Identifiers: Orphanet 289, MedGen C0013903, MONDO:0009162, OMIM 225500.

Submission:

Myriad Genetics, Inc.
Classification: Likely pathogenic for Ellis-van Creveld syndrome. Last evaluated: 2026-07-17. Review status: criteria provided, single submitter. Criteria: Myriad Autosomal Dominant, Autosomal Recessive and X-Linked Classification Criteria (2023). Collection method: clinical testing. Allele origin: unknown.
Comment: NM_147127.4(EVC2):c.1006-1G>A is a variant in a canonical splice site classified as likely pathogenic in the context of EVC2-related Ellis-van Creveld syndrome. c.1006-1G>A has not been observed in cases with relevant disease. Relevant functional assessments of this variant are not available in the literature. c.1006-1G>A has not been observed in referenced population frequency databases. In summary, NM_147127.4(EVC2):c.1006-1G>A is a variant in a canonical splice site in a gene where loss of function is a known mechanism of disease and is predicted to disrupt protein function. Please note: this variant was assessed in the context of healthy population screening.